The following is an entry in ClinVar:

ClinVar aggregate classification (germline): Uncertain significance (1 of 4 stars; one submission).

Conditions:
Early-infantile DEE. Also called: Ohtahara syndrome; Early infantile epileptic encephalopathy with suppression bursts; Early infantile epileptic encephalopathy. Identifiers: Orphanet 1934, MedGen C0393706, MONDO:0800491.

Allele frequency attached by ClinVar (database versions not stated): gnomAD 0.00001 and 0.00002; TOPMed 0.00001; gnomAD exomes below 0.00001; ExAC 0.00001.
gnomAD v4.1: 5 of 1,614,014 alleles (0.00031%); highest among the groups gnomAD compares: Middle Eastern, 0.016%; no homozygotes.

Submission:

Labcorp Genetics (formerly Invitae), Labcorp
Classification: Uncertain significance for Early-infantile DEE. Last evaluated: 2023-08-17. Review status: criteria provided, single submitter. Criteria: Invitae Variant Classification Sherloc (09022015). Collection method: clinical testing. Allele origin: germline.
Comment: In summary, the available evidence is currently insufficient to determine the role of this variant in disease. Therefore, it has been classified as a Variant of Uncertain Significance. This sequence change replaces glycine, which is neutral and non-polar, with serine, which is neutral and polar, at codon 1798 of the SPTAN1 protein (p.Gly1798Ser). This variant is present in population databases (rs756006714, gnomAD 0.0009%). This variant has not been reported in the literature in individuals affected with SPTAN1-related conditions. ClinVar contains an entry for this variant (Variation ID: 834937). Advanced modeling of protein sequence and biophysical properties (such as structural, functional, and spatial information, amino acid conservation, physicochemical variation, residue mobility, and thermodynamic stability) has been performed at Invitae for this missense variant, however the output from this modeling did not meet the statistical confidence thresholds required to predict the impact of this variant on SPTAN1 protein function.

NM_001130438.3(SPTAN1):c.5392G>A (p.Gly1798Ser)

Gene: SPTAN1 (spectrin alpha, non-erythrocytic 1; plus strand). Cytogenetic location: 9q34.11.
Variant type: single nucleotide variant.
Coding change: c.5392G>A on transcript NM_001130438.3 (MANE Select); coding-DNA position 5392, G replaced by A.
Protein change: p.Gly1798Ser; replaces glycine 1798 with serine.
Molecular consequence: missense variant.
Genome position (GRCh38, 1-based): chr9:128,617,674, G>A. VCF-style: chr9-128617674-G-A. GRCh37 (hg19) VCF-style: chr9-131379953-G-A.
Other names: c.5317G>A, p.Gly1773Ser (NM_001195532.2); c.5392G>A, p.Gly1798Ser (NM_001363759.2, NM_001375310.1, NM_001375311.2 and 1 more transcripts); c.5332G>A, p.Gly1778Ser (NM_001363765.2, NM_001375314.2); c.5428G>A, p.Gly1810Ser (NM_001375312.2, NM_001375318.1); c.5377G>A, p.Gly1793Ser (NM_003127.4); short protein forms G1810S, G1773S, G1798S, G1793S, G1778S.
Identifiers: ClinVar variation 834937 (VCV000834937.10), dbSNP rs756006714, ClinGen allele CA5265450.